The following is an entry in ClinVar:

NM_003235.5(TG):c.6199+17T>C

Gene: TG (thyroglobulin; plus strand). Cytogenetic location: 8q24.22.
Variant type: single nucleotide variant.
Coding change: c.6199+17T>C on transcript NM_003235.5 (MANE Select); 17 bases into the intron after coding-DNA position 6199, T replaced by C.
Molecular consequence: intron variant.
Genome position (GRCh38, 1-based): chr8:132,972,758, T>C. VCF-style: chr8-132972758-T-C. GRCh37 (hg19) VCF-style: chr8-133985003-T-C.
Identifiers: ClinVar variation 2982751 (VCV002982751.4), dbSNP rs899801356, ClinGen allele CA186295959.

ClinVar aggregate classification (germline): Likely benign. Review status: criteria provided, multiple submitters, no conflicts (2 of 4 stars). 2 submissions from 2 submitters: Likely benign (2). Last evaluated 2024-07-29.

Allele frequency attached by ClinVar (database versions not stated): gnomAD exomes 0.00001; gnomAD 0.00004.
gnomAD v4.1: 19 of 1,613,922 alleles (0.0012%); highest among the groups gnomAD compares: Non-Finnish European, 0.0015%; no homozygotes.

Submissions (2):

Women's Health and Genetics/Laboratory Corporation of America, LabCorp
Classification: Likely benign. Last evaluated: 2024-07-29. Review status: criteria provided, single submitter. Criteria: LabCorp Variant Classification Summary - May 2015. Collection method: clinical testing. Allele origin: germline.
Comment: Variant summary: TG c.6199+17T>C alters a non-conserved nucleotide located at a position not widely known to affect splicing. Consensus agreement among computation tools predict no significant impact on normal splicing. However, these predictions have yet to be confirmed by functional studies. The variant allele was found at a frequency of 4e-06 in 251330 control chromosomes (gnomAD). The available data on variant occurrences in the general population are insufficient to allow any conclusion about variant significance. To our knowledge, no occurrence of c.6199+17T>C in individuals affected with TG-Related Disorders and no experimental evidence demonstrating its impact on protein function have been reported. ClinVar contains an entry for this variant (Variation ID: 2982751). Based on the evidence outlined above, the variant was classified as likely benign.

Labcorp Genetics (formerly Invitae), Labcorp
Classification: Likely benign. Last evaluated: 2024-02-04. Review status: criteria provided, single submitter. Criteria: Invitae Variant Classification Sherloc (09022015). Collection method: clinical testing. Allele origin: germline.